The following is an entry in ClinVar:

ClinVar aggregate classification (germline): Uncertain significance. Review status: criteria provided, multiple submitters, no conflicts (2 of 4 stars). 3 submissions from 3 submitters: Uncertain significance (3). Last evaluated 2025-11-17.

Conditions:
Dyskeratosis congenita, autosomal dominant 2. Identifiers: MedGen C3151443, MONDO:0013521, OMIM 613989.
Idiopathic Pulmonary Fibrosis. Also called: Idiopathic fibrosing alveolitis, chronic form; idiopathic fibrosing alveolitis. Identifiers: Orphanet 2032, MedGen C1800706, MeSH D054990, MONDO:0800504.
Dyskeratosis congenita. Identifiers: Orphanet 1775, MedGen C0265965, MONDO:0015780.

Allele frequency attached by ClinVar (database versions not stated): gnomAD 0.00002; TOPMed 0.00003.
gnomAD v4.1: 11 of 1,613,894 alleles (0.00068%); highest among the groups gnomAD compares: Middle Eastern, 0.016%; no homozygotes.

Submissions (3):

Labcorp Genetics (formerly Invitae), Labcorp
Classification: Uncertain significance for Dyskeratosis congenita, autosomal dominant 2; Idiopathic Pulmonary Fibrosis. Last evaluated: 2025-11-17. Review status: criteria provided, single submitter. Criteria: Invitae Variant Classification Sherloc (09022015). Collection method: clinical testing. Allele origin: germline.
Comment: This sequence change affects codon 530 of the TERT mRNA. It is a 'silent' change, meaning that it does not change the encoded amino acid sequence of the TERT protein. This variant is present in population databases (no rsID available, gnomAD 0.004%). This variant has not been reported in the literature in individuals affected with TERT-related conditions. ClinVar contains an entry for this variant (Variation ID: 569118). Algorithms developed to predict the effect of sequence changes on RNA splicing suggest that this variant may create or strengthen a splice site. In summary, the available evidence is currently insufficient to determine the role of this variant in disease. Therefore, it has been classified as a Variant of Uncertain Significance.

Ambry Genetics
Classification: Uncertain significance for Dyskeratosis congenita. Last evaluated: 2025-02-19. Review status: criteria provided, single submitter. Criteria: Ambry Variant Classification Scheme 2023. Collection method: clinical testing. Allele origin: germline.
Comment: The c.1590G>A variant (also known as p.P530P), located in coding exon 3 of the TERT gene, results from a G to A substitution at nucleotide position 1590. This nucleotide substitution does not change the proline at codon 530. This nucleotide position is not well conserved in available vertebrate species. In silico splice site analysis predicts that this alteration will result in the creation or strengthening of a novel splice acceptor site. Based on the available evidence, the clinical significance of this variant remains unclear.

CeGaT Center for Human Genetics Tuebingen
Classification: Uncertain significance. Last evaluated: 2024-04-01. Review status: criteria provided, single submitter. Criteria: CeGaT Center For Human Genetics Tuebingen Variant Classification Criteria Version 2. Collection method: clinical testing. Allele origin: germline. Affected: yes. Observed: 1 variant allele.
Comment: TERT: PP3

NM_198253.3(TERT):c.1590G>A (p.Pro530=)

Gene: TERT (telomerase reverse transcriptase; minus strand). Cytogenetic location: 5p15.33.
Variant type: single nucleotide variant.
Coding change: c.1590G>A on transcript NM_198253.3 (MANE Select); coding-DNA position 1590, G replaced by A.
Protein change: p.Pro530=; no amino-acid change (proline 530 retained).
Molecular consequence: synonymous variant. On other transcripts: non-coding transcript variant (2).
Genome position (GRCh38, 1-based): chr5:1,282,608, C>T on the plus strand (G>A on the coding strand, the complement: TERT is on the minus strand). VCF-style: chr5-1282608-C-T. GRCh37 (hg19) VCF-style: chr5-1282723-C-T.
Other names: c.1590G>A, p.Pro530= (NM_001193376.3).
Identifiers: ClinVar variation 569118 (VCV000569118.30), dbSNP rs1396912668, ClinGen allele CA443026060.